The following is an entry in ClinVar:

NM_000264.5(PTCH1):c.882C>T (p.Arg294=)

Gene: PTCH1 (patched 1; minus strand). Cytogenetic location: 9q22.32.
Variant type: single nucleotide variant.
Coding change: c.882C>T on transcript NM_000264.5 (MANE Select); coding-DNA position 882, C replaced by T.
Protein change: p.Arg294=; no amino-acid change (arginine 294 retained).
Molecular consequence: synonymous variant. On other transcripts: non-coding transcript variant (1).
Genome position (GRCh38, 1-based): chr9:95,480,453, G>A on the plus strand (C>T on the coding strand, the complement: PTCH1 is on the minus strand). VCF-style: chr9-95480453-G-A. GRCh37 (hg19) VCF-style: chr9-98242735-G-A.
Other names: c.684C>T, p.Arg228= (NM_001083602.3); c.879C>T, p.Arg293= (NM_001083603.3); c.429C>T, p.Arg143= (NM_001083604.3, NM_001083605.3, NM_001083606.3 and 1 more transcripts); c.882C>T, p.Arg294= (NM_001354918.2); c.882C>T (NM_000264.4).
Identifiers: ClinVar variation 215706 (VCV000215706.41), dbSNP rs145893445, ClinGen allele CA337315.

ClinVar aggregate classification (germline): Benign/Likely benign. Review status: criteria provided, multiple submitters, no conflicts (2 of 4 stars). 5 submissions from 5 submitters: Benign (1); Likely benign (4). Last evaluated 2026-01-19.

Conditions:
Hereditary cancer-predisposing syndrome. Also called: Tumor predisposition; Neoplastic Syndromes, Hereditary; Hereditary Cancer Syndrome; Hereditary neoplastic syndrome. Identifiers: Orphanet 140162, MedGen C0027672, MeSH D009386, MONDO:0015356.
Gorlin syndrome. Also called: Basal cell nevus syndrome; Nevoid Basal Cell Carcinoma Syndrome. Identifiers: Orphanet 377, MedGen C0004779, MONDO:0007187.

Allele frequency attached by ClinVar (database versions not stated): TOPMed 0.00006; gnomAD 0.00007; gnomAD exomes 0.00011 and 0.00012; ExAC 0.00015; 1000 Genomes Project 30x 0.00016; 1000 Genomes Project 0.00020; ESP Exome Variant Server 0.00023.
gnomAD v4.1: 184 of 1,611,924 alleles (0.011%); highest among the groups gnomAD compares: Non-Finnish European, 0.015%; no homozygotes.

Submissions (5):

Labcorp Genetics (formerly Invitae), Labcorp
Classification: Likely benign for Gorlin syndrome. Last evaluated: 2026-01-19. Review status: criteria provided, single submitter. Criteria: Invitae Variant Classification Sherloc (09022015). Collection method: clinical testing. Allele origin: germline.

CeGaT Center for Human Genetics Tuebingen
Classification: Likely benign. Last evaluated: 2023-04-01. Review status: criteria provided, single submitter. Criteria: CeGaT Center For Human Genetics Tuebingen Variant Classification Criteria Version 2. Collection method: clinical testing. Allele origin: germline. Affected: yes. Observed: 2 variant alleles.
Comment: PTCH1: BP4, BP7

Quest Diagnostics Nichols Institute San Juan Capistrano
Classification: Benign. Last evaluated: 2022-08-02. Review status: criteria provided, single submitter. Criteria: Quest Diagnostics criteria. Collection method: clinical testing. Allele origin: unknown.

Ambry Genetics
Classification: Likely benign for Hereditary cancer-predisposing syndrome. Last evaluated: 2017-04-19. Review status: criteria provided, single submitter. Criteria: Ambry Variant Classification Scheme 2023. Collection method: clinical testing. Allele origin: germline.

PreventionGenetics, part of Exact Sciences
Classification: Likely benign. Review status: criteria provided, single submitter. Criteria: ACMG Guidelines, 2015. Collection method: clinical testing. Allele origin: germline.

Literature cited by the submitters: PubMed 32409749 (cited by Quest Diagnostics Nichols Institute San Juan Capistrano).